The following is an entry in ClinVar:

NM_001943.5(DSG2):c.1051A>G (p.Ser351Gly)

Gene: DSG2 (desmoglein 2; plus strand). Cytogenetic location: 18q12.1.
Variant type: single nucleotide variant.
Coding change: c.1051A>G on transcript NM_001943.5 (MANE Select); coding-DNA position 1051, A replaced by G.
Protein change: p.Ser351Gly; replaces serine 351 with glycine.
Molecular consequence: missense variant.
Genome position (GRCh38, 1-based): chr18:31,531,023, A>G. VCF-style: chr18-31531023-A-G. GRCh37 (hg19) VCF-style: chr18-29110986-A-G.
Other names: p.S351G:AGT>GGT; short protein forms S351G.
Identifiers: ClinVar variation 44277 (VCV000044277.36), dbSNP rs139326669, ClinGen allele CA021257.
Genomic context (GRCh38, chr18:31,531,023, plus strand): 5'-ATTCCCTTTGGTTTTCCCTTTCAGGAAGTAGATTATGAAGAAATGAAGAATCTTGACTTC[A>G]GTGTTATTGTCGCTAATAAAGCAGCTTTTCACAAGTCGATTAGGAGTAAATACAAGCCTA-3'
Protein context (NP_001934.2, residues 341-361): DYEEMKNLDF[Ser351Gly]VIVANKAAFH

ClinVar aggregate classification (germline): Benign/Likely benign. Review status: criteria provided, multiple submitters, no conflicts (2 of 4 stars). 17 submissions from 17 submitters: Benign (5); Likely benign (8). 4 of the submissions do not count toward it. Last evaluated 2026-02-02.

Conditions:
Cardiovascular phenotype. Identifiers: MedGen CN230736.
Arrhythmogenic right ventricular dysplasia 10. Also called: Arrhythmogenic right ventricular dysplasia/cardiomyopathy, type 10; ARRHYTHMOGENIC RIGHT VENTRICULAR DYSPLASIA, FAMILIAL, 10; Arrhythmogenic Right Ventricular Dysplasia/Cardiomyopathy10. Identifiers: MedGen C1857777, MONDO:0012434, OMIM 610193.
Dilated cardiomyopathy 1BB (CMD1BB). Also called: CARDIOMYOPATHY, DILATED, 1BB, SUSCEPTIBILITY TO. Identifiers: Orphanet 154, MedGen C2752072, MONDO:0013030, OMIM 612877.
Cardiomyopathy (CMYO). Also called: Cardiomyopathies. Identifiers: Orphanet 167848, MedGen C0878544, MONDO:0004994, HP:0001638. Inheritance: Various modes of inheritance.

Allele frequency attached by ClinVar (database versions not stated): gnomAD exomes 0.00058; ExAC 0.00073; ESP Exome Variant Server 0.00203; 1000 Genomes Project 30x 0.00219; 1000 Genomes Project 0.00220; gnomAD 0.00230 and 0.00246; TOPMed 0.00248.

Submissions (17):

Labcorp Genetics (formerly Invitae), Labcorp
Classification: Benign for Arrhythmogenic right ventricular dysplasia 10. Last evaluated: 2026-02-02. Review status: criteria provided, single submitter. Criteria: Invitae Variant Classification Sherloc (09022015). Collection method: clinical testing. Allele origin: germline.

Mayo Clinic Laboratories, Mayo Clinic
Classification: Likely benign. Last evaluated: 2025-12-05. Review status: criteria provided, single submitter. Criteria: ACMG Guidelines, 2015. Collection method: clinical testing. Allele origin: germline. Observed: 3 variant alleles.
Comment: BS1, BP4

Molecular Diagnostic Laboratory for Inherited Cardiovascular Disease, Montreal Heart Institute
Classification: Likely benign. Last evaluated: 2025-04-09. Review status: criteria provided, single submitter. Criteria: ACMG Guidelines, 2015. Collection method: clinical testing. Allele origin: germline. Affected: no.

Blueprint Genetics
Classification: Likely benign. Last evaluated: 2024-09-23. Review status: criteria provided, single submitter. Criteria: ACMG Guidelines, 2015. Collection method: clinical testing. Allele origin: germline.

Fulgent Genetics
Classification: Benign for Arrhythmogenic right ventricular dysplasia 10; Dilated cardiomyopathy 1BB. Last evaluated: 2021-07-27. Review status: criteria provided, single submitter. Criteria: ACMG Guidelines, 2015. Collection method: clinical testing. Allele origin: unknown.

Women's Health and Genetics/Laboratory Corporation of America, LabCorp
Classification: Benign. Last evaluated: 2020-07-13. Review status: criteria provided, single submitter. Criteria: LabCorp Variant Classification Summary - May 2015. Collection method: clinical testing. Allele origin: germline.
Comment: Variant summary: DSG2 c.1051A>G (p.Ser351Gly) results in a non-conservative amino acid change located in the Cadherin-like domain (IPR002126) of the encoded protein sequence. Four of five in-silico tools predict a benign effect of the variant on protein function. The variant allele was found at a frequency of 0.00058 in 249292 control chromosomes, predominantly at a frequency of 0.0078 within the African or African-American subpopulation in the gnomAD database, including 1 homozygote. The observed variant frequency within African or African-American control individuals in the gnomAD database is approximately 312-fold of the estimated maximal expected allele frequency for a pathogenic variant in DSG2 causing Cardiomyopathy phenotype (2.5e-05), strongly suggesting that the variant is a benign polymorphism found primarily in populations of African or African-American origin. c.1051A>G has been reported in the literature in individuals affected with Cardiomyopathy (e.g. Pugh_2014, Quarta_2011). These reports do not provide unequivocal conclusions about association of the variant with Cardiomyopathy. A co-occurrence with a pathogenic variant has been reported (TTR c.424G>A, p.Val142Ile; Internal testing). To our knowledge, no experimental evidence demonstrating an impact on protein function has been reported. Five ClinVar submitters (evaluation after 2014) cite the variant as benign/likely benign. Based on the evidence outlined above, the variant was classified as benign.

Ambry Genetics
Classification: Likely benign for Cardiovascular phenotype. Last evaluated: 2019-01-09. Review status: criteria provided, single submitter. Criteria: Ambry Variant Classification Scheme 2023. Collection method: clinical testing. Allele origin: germline.

Color Diagnostics, LLC DBA Color Health
Classification: Benign for Cardiomyopathy. Last evaluated: 2018-11-14. Review status: criteria provided, single submitter. Criteria: ACMG Guidelines, 2015. Collection method: clinical testing. Allele origin: germline.

Illumina Laboratory Services, Illumina
Classification: Likely benign for Arrhythmogenic right ventricular dysplasia 10. Last evaluated: 2018-10-15. Review status: criteria provided, single submitter. Criteria: ICSL Variant Classification Criteria 13 December 2019. Collection method: clinical testing. Allele origin: germline.
Comment: This variant was observed as part of a predisposition screen in an ostensibly healthy population. A literature search was performed for the gene, cDNA change, and amino acid change (where applicable). Publications were found based on this search. The evidence from the literature, in combination with allele frequency data from public databases where available, was sufficient to determine this variant is unlikely to cause disease. Therefore, this variant is classified as likely benign.

CHEO Genetics Diagnostic Laboratory, Children's Hospital of Eastern Ontario
Classification: Likely benign for Cardiomyopathy. Last evaluated: 2017-02-15. Review status: criteria provided, single submitter. Criteria: ACMG Guidelines, 2015. Collection method: clinical testing. Allele origin: germline. Study: Canadian Open Genetics Repository.

GeneDx
Classification: Benign. Last evaluated: 2014-03-21. Review status: criteria provided, single submitter. Criteria: GeneDx Variant Classification (06012015). Collection method: clinical testing. Allele origin: germline. Affected: yes.
Comment: This variant is considered likely benign or benign based on one or more of the following criteria: it is a conservative change, it occurs at a poorly conserved position in the protein, it is predicted to be benign by multiple in silico algorithms, and/or has population frequency not consistent with disease.

Laboratory for Molecular Medicine, Mass General Brigham Personalized Medicine
Classification: Likely benign. Last evaluated: 2012-04-25. Review status: criteria provided, single submitter. Criteria: LMM Criteria. Collection method: clinical testing. Allele origin: germline. Observed: 8 variant alleles.
Comment: Ser351Gly in exon 9 of DSG2: This variant has been identified in 2 individuals w ith ARVC and was absent from 600 control chromosomes (Quarta 2011). However, thi s variant is not expected to have clinical significance because it is not locate d within the splice consensus sequence and has been identified in 0.6% (19/2964) of African American chromosomes from a broad, though clinically unspecified pop ulation (dbSNP rs139326669, NHLBI Exome Sequencing Project)

Breakthrough Genomics
Classification: Likely benign. Review status: criteria provided, single submitter. Criteria: ACMG Guidelines, 2015. Collection method: not provided. Allele origin: germline. Inheritance: Autosomal recessive inheritance. Affected: yes.

Clinical Genetics DNA and cytogenetics Diagnostics Lab, Erasmus MC, Erasmus Medical Center
Classification: Likely benign. Review status: no assertion criteria provided. Collection method: clinical testing. Allele origin: germline. Affected: yes. Study: VKGL Data-share Consensus. Not counted in ClinVar's aggregate classification.

Clinical Genetics, Academic Medical Center
Classification: Benign. Review status: no assertion criteria provided. Collection method: clinical testing. Allele origin: germline. Affected: yes. Study: VKGL Data-share Consensus. Not counted in ClinVar's aggregate classification.

Genome Diagnostics Laboratory, University Medical Center Utrecht
Classification: Likely benign. Review status: no assertion criteria provided. Collection method: clinical testing. Allele origin: germline. Affected: yes. Study: VKGL Data-share Consensus. Not counted in ClinVar's aggregate classification.

Joint Genome Diagnostic Labs from Nijmegen and Maastricht, Radboudumc and MUMC+
Classification: Benign. Review status: no assertion criteria provided. Collection method: clinical testing. Allele origin: germline. Affected: yes. Study: VKGL Data-share Consensus. Not counted in ClinVar's aggregate classification.

Literature cited by the submitters: PubMed 21606390 (cited by 4 submitters); PubMed 23299917 (cited by Mayo Clinic Laboratories, Mayo Clinic); PubMed 31402444 (cited by Mayo Clinic Laboratories, Mayo Clinic); PubMed 24503780 (cited by Women's Health and Genetics/Laboratory Corporation of America, LabCorp).